The following is an entry in ClinVar:

ClinVar aggregate classification (germline): Uncertain significance (1 of 4 stars; one submission).

Conditions:
Marinesco-Sjögren syndrome (MSS). Also called: Marinesco-SjÃ¶gren syndrome; Marinesco-Sjogren Syndrome. Identifiers: Orphanet 559, MedGen C0024814, MONDO:0009567, OMIM 248800.

Submission:

Labcorp Genetics (formerly Invitae), Labcorp
Classification: Uncertain significance for Marinesco-Sjögren syndrome. Last evaluated: 2022-04-16. Review status: criteria provided, single submitter. Criteria: Invitae Variant Classification Sherloc (09022015). Collection method: clinical testing. Allele origin: germline.
Comment: This sequence change replaces alanine, which is neutral and non-polar, with serine, which is neutral and polar, at codon 39 of the SIL1 protein (p.Ala39Ser). This variant is not present in population databases (gnomAD no frequency). This variant has not been reported in the literature in individuals affected with SIL1-related conditions. Algorithms developed to predict the effect of missense changes on protein structure and function output the following: SIFT: "Deleterious"; PolyPhen-2: "Benign"; Align-GVGD: "Class C0". The serine amino acid residue is found in multiple mammalian species, which suggests that this missense change does not adversely affect protein function. In summary, the available evidence is currently insufficient to determine the role of this variant in disease. Therefore, it has been classified as a Variant of Uncertain Significance.

NM_022464.5(SIL1):c.115G>T (p.Ala39Ser)

Gene: SIL1 (SIL1 nucleotide exchange factor; minus strand). Cytogenetic location: 5q31.2.
Variant type: single nucleotide variant.
Coding change: c.115G>T on transcript NM_022464.5 (MANE Select); coding-DNA position 115, G replaced by T.
Protein change: p.Ala39Ser; replaces alanine 39 with serine.
Molecular consequence: missense variant.
Genome position (GRCh38, 1-based): chr5:139,121,164, C>A on the plus strand (G>T on the coding strand, the complement: SIL1 is on the minus strand). VCF-style: chr5-139121164-C-A. GRCh37 (hg19) VCF-style: chr5-138456853-C-A.
Other names: c.115G>T, p.Ala39Ser (NM_001037633.2); short protein forms A39S.
Identifiers: ClinVar variation 1969990 (VCV001969990.5), dbSNP rs2546422235, ClinGen allele CA361476669.
Genomic context (GRCh38, chr5:139,121,164, plus strand): 5'-CGGCTTTGGTTTCTTTTCTCTCTGTTTCTTTGGTGCTGCTCTTCTCTGGGTTGGTCAGGG[C>A]AAACTCCTTCTGAGAAAAGAAAACACAGGGCATGACCCACTGCAACTAGGCGCCAGGTAA-3'
Protein context (NP_071909.1, residues 29-49): CLSHQNLKEF[Ala39Ser]LTNPEKSSTK